The following is an entry in ClinVar:

NM_000701.8(ATP1A1):c.2718+6T>G

Genes: ATP1A1 (ATPase Na+/K+ transporting subunit alpha 1; plus strand), ATP1A1-AS1 (ATP1A1 antisense RNA 1; minus strand). Cytogenetic location: 1p13.1.
Variant type: single nucleotide variant.
Coding change: c.2718+6T>G on transcript NM_000701.8 (MANE Select); 6 bases into the intron after coding-DNA position 2718, T replaced by G.
Molecular consequence: intron variant. On other transcripts: non-coding transcript variant (2).
Genome position (GRCh38, 1-based): chr1:116,401,012, T>G. VCF-style: chr1-116401012-T-G. GRCh37 (hg19) VCF-style: chr1-116943634-T-G.
Other names: c.2718+6T>G (NM_001160233.2); c.2625+6T>G (NM_001160234.2).
Identifiers: ClinVar variation 2174495 (VCV002174495.4), dbSNP rs1653428522, ClinGen allele CA1191009887.

ClinVar aggregate classification (germline): Uncertain significance (1 of 4 stars; one submission).

Allele frequency attached by ClinVar (database versions not stated): gnomAD exomes below 0.00001.
gnomAD v4.1: 1 of 1,614,068 alleles (0.000062%); highest among the groups gnomAD compares: Non-Finnish European, 0.000085%; no homozygotes.

Submission:

Labcorp Genetics (formerly Invitae), Labcorp
Classification: Uncertain significance. Last evaluated: 2023-10-10. Review status: criteria provided, single submitter. Criteria: Invitae Variant Classification Sherloc (09022015). Collection method: clinical testing. Allele origin: germline.
Comment: This sequence change falls in intron 19 of the ATP1A1 gene. It does not directly change the encoded amino acid sequence of the ATP1A1 protein. It affects a nucleotide within the consensus splice site. This variant is not present in population databases (gnomAD no frequency). This variant has not been reported in the literature in individuals affected with ATP1A1-related conditions. ClinVar contains an entry for this variant (Variation ID: 2174495). Variants that disrupt the consensus splice site are a relatively common cause of aberrant splicing (PMID: 17576681, 9536098). Algorithms developed to predict the effect of sequence changes on RNA splicing suggest that this variant is not likely to affect RNA splicing. In summary, the available evidence is currently insufficient to determine the role of this variant in disease. Therefore, it has been classified as a Variant of Uncertain Significance.

Literature cited by the submitters: PubMed 17576681; PubMed 9536098.